The following is an entry in ClinVar:

ClinVar aggregate classification (germline): Benign (1 of 4 stars; one submission).

Allele frequency attached by ClinVar (database versions not stated): 1000 Genomes Project 30x 0.73314; 1000 Genomes Project 0.73962; gnomAD 0.75228 and 0.75405; TOPMed 0.75409.
gnomAD v4.1: 393,562 of 506,656 alleles (78%); highest among the groups gnomAD compares: Admixed American, 83%; 153,988 homozygotes.

Submission:

GeneDx
Classification: Benign. Last evaluated: 2018-06-14. Review status: criteria provided, single submitter. Criteria: GeneDx Variant Classification (06012015). Collection method: clinical testing. Allele origin: germline. Affected: yes.
Comment: This variant is considered likely benign or benign based on one or more of the following criteria: it is a conservative change, it occurs at a poorly conserved position in the protein, it is predicted to be benign by multiple in silico algorithms, and/or has population frequency not consistent with disease.

NM_001377.3(DYNC2H1):c.9819+125G>A

Gene: DYNC2H1 (dynein cytoplasmic 2 heavy chain 1; plus strand). Cytogenetic location: 11q22.3.
Variant type: single nucleotide variant.
Coding change: c.9819+125G>A on transcript NM_001377.3 (MANE Select); 125 bases into the intron after coding-DNA position 9819, G replaced by A.
Molecular consequence: intron variant.
Genome position (GRCh38, 1-based): chr11:103,236,664, G>A. VCF-style: chr11-103236664-G-A. GRCh37 (hg19) VCF-style: chr11-103107393-G-A.
Other names: c.9819+125G>A (NM_001080463.2).
Identifiers: ClinVar variation 667749 (VCV000667749.1), dbSNP rs623852, ClinGen allele CA16427912.